The following is an entry in ClinVar:

NM_000138.5(FBN1):c.2808G>A (p.Gln936=)

Gene: FBN1 (fibrillin 1; minus strand). Cytogenetic location: 15q21.1.
Variant type: single nucleotide variant.
Coding change: c.2808G>A on transcript NM_000138.5 (MANE Select); coding-DNA position 2808, G replaced by A.
Protein change: p.Gln936=; no amino-acid change (glutamine 936 retained).
Molecular consequence: synonymous variant.
Genome position (GRCh38, 1-based): chr15:48,492,507, C>T on the plus strand (G>A on the coding strand, the complement: FBN1 is on the minus strand). VCF-style: chr15-48492507-C-T. GRCh37 (hg19) VCF-style: chr15-48784704-C-T.
Other names: c.2808G>A, p.Gln936= (NM_001406716.1).
Identifiers: ClinVar variation 2931313 (VCV002931313.4), dbSNP rs1423753530, ClinGen allele CA490020293.
Genomic context (GRCh38, chr15:48,492,507, plus strand): 5'-AGCTCAGTATTTACCAAGACAGATCCTTCCTGTGGCATCCAAAGTCATTCCACTGGGACA[C>T]TGACACTTGAATGACCCCCTAGTGTTAACACACAGGCCATTTTTACACACTCCTGGGAAC-3'
Protein context (NP_000129.3, residues 926-946): CVNTRGSFKC[Gln936=]CPSGMTLDAT

ClinVar aggregate classification (germline): Likely benign. Review status: criteria provided, multiple submitters, no conflicts (2 of 4 stars). 2 submissions from 2 submitters: Likely benign (2). Last evaluated 2024-02-22.

Conditions:
Marfan syndrome (MFS). Also called: MARFAN SYNDROME, TYPE I; Marfan syndrome type 1; Marfan's syndrome; Marfan syndrome, classic; FBN1-Related Marfan Syndrome. Identifiers: Orphanet 284963, Orphanet 558, MedGen C0024796, MONDO:0007947, OMIM 154700.
Familial thoracic aortic aneurysm and aortic dissection (TAAD). Also called: Thoracic aortic aneurysms and dissections. Identifiers: Orphanet 91387, MedGen C4707243, MONDO:0019625.

Allele frequency attached by ClinVar (database versions not stated): TOPMed 0.00001; gnomAD 0.00001.
gnomAD v4.1: 10 of 1,613,210 alleles (0.00062%); highest among the groups gnomAD compares: Non-Finnish European, 0.00085%; no homozygotes.

Submissions (2):

All of Us Research Program, National Institutes of Health
Classification: Likely benign for Marfan syndrome. Last evaluated: 2024-02-22. Review status: criteria provided, single submitter. Criteria: ACMG Guidelines, 2015. Collection method: clinical testing. Allele origin: germline. Inheritance: Autosomal dominant inheritance. Observed: 1 variant allele, 1 heterozygote.
Comment: This study involves interpretation of variants in research participants for the purpose of population health screening. Participant phenotype was not available at the time of variant classification. Additional details can be found in publication PMID: 35346344, PMCID: PMC8962531

Labcorp Genetics (formerly Invitae), Labcorp
Classification: Likely benign for Marfan syndrome; Familial thoracic aortic aneurysm and aortic dissection. Last evaluated: 2022-10-18. Review status: criteria provided, single submitter. Criteria: Invitae Variant Classification Sherloc (09022015). Collection method: clinical testing. Allele origin: germline.